The following is an entry in ClinVar:

ClinVar aggregate classification (germline): Pathogenic/Likely pathogenic. Review status: criteria provided, multiple submitters, no conflicts (2 of 4 stars). 8 submissions from 8 submitters: Pathogenic (4); Likely pathogenic (3). 1 of the submissions does not count toward it. Last evaluated 2025-08-05.

Conditions:
Rare genetic deafness. Identifiers: Orphanet 96210, MedGen C5680250.
OTOGL-related disorder. Also called: OTOGL-related condition.
Autosomal recessive nonsyndromic hearing loss 84B. Also called: Deafness, autosomal recessive 84b. Identifiers: Orphanet 90636, MedGen C3554159, MONDO:0013984, OMIM 614944.

Submissions (8):

Dasa
Classification: Likely pathogenic. Last evaluated: 2025-08-05. Review status: criteria provided, single submitter. Criteria: DASA Assertion Criteria. Collection method: clinical testing. Allele origin: germline.
Comment: NM_001378609.3(OTOGL):c.3081dup (p.Leu1028Serfs*31) is a frameshift variant in OTOGL predicted to alter the reading frame and introduce a premature termination codon and is predicted to result in an absent or altered protein product. Loss of function is an established disease mechanism for OTOGL-associated disorders. Also, this variant is rare in population databases. Based on the currently available evidence, this variant is classified as likely pathogenic.

PreventionGenetics, part of Exact Sciences
Classification: Likely pathogenic for OTOGL-related condition. Last evaluated: 2024-11-15. Review status: criteria provided, single submitter. Criteria: ACMG Guidelines, 2015. Collection method: clinical testing. Allele origin: germline.
Comment: The OTOGL c.3054dupT variant is predicted to result in a frameshift and premature protein termination (p.Leu1019Serfs*31). To our knowledge, this variant has not been reported in the literature. This variant is reported in 0.017% of alleles in individuals of African descent in gnomAD. Frameshift variants in OTOGL are expected to be pathogenic. This variant is interpreted as likely pathogenic.

Victorian Clinical Genetics Services, Murdoch Childrens Research Institute
Classification: Pathogenic for Autosomal recessive nonsyndromic hearing loss 84B. Last evaluated: 2024-10-10. Review status: criteria provided, single submitter. Criteria: ACMG Guidelines, 2015. Collection method: clinical testing. Allele origin: germline. Inheritance: Autosomal recessive inheritance. Affected: yes.
Comment: Based on the classification scheme VCGS_Germline_v1.3.4, this variant is classified as Pathogenic. Following criteria are met: 0102 - Loss of function is a known mechanism of disease in this gene and is associated with deafness, autosomal recessive 84B (MIM#614944). (I) 0106 - This gene is associated with autosomal recessive disease. (I) 0201 - Variant is predicted to cause nonsense-mediated decay (NMD) and loss of protein (premature termination codon is located at least 54 nucleotides upstream of the final exon-exon junction). (SP) 0253 - This variant is hemizygous. (I) 0304 - Variant is present in gnomAD (v3) <0.01 for a recessive condition (7 heterozygotes, 0 homozygotes). (SP) 0701 - Other NMD-predicted variants comparable to the one identified in this case have very strong previous evidence for pathogenicity. These variants have been reported many times as pathogenic (DECIPHER). (SP) 0803 - This variant has limited previous evidence of pathogenicity in unrelated individuals. This variant has been reported twice as pathogenic (ClinVar). (SP) 0905 - No published segregation evidence has been identified for this variant. (I) 1007 - No published functional evidence has been identified for this variant. (I) 1201 - Heterozygous variant detected in trans with a second pathogenic variant in a recessive disease. A deletion on 12q21.31 encompassing exons 10-42 of the OTOGL gene was identified on microarray (VCGS ID#23C107899). (I) Legend: (SP) - Supporting pathogenic, (I) - Information, (SB) - Supporting benign

Blueprint Genetics
Classification: Likely pathogenic for OTOGL-related disorders. Last evaluated: 2024-10-01. Review status: criteria provided, single submitter. Criteria: ACMG Guidelines, 2015. Collection method: clinical testing. Allele origin: germline. Affected: yes. Observed: 5 variant alleles.

Women's Health and Genetics/Laboratory Corporation of America, LabCorp
Classification: Pathogenic for Autosomal recessive nonsyndromic hearing loss 84B. Last evaluated: 2024-07-11. Review status: criteria provided, single submitter. Criteria: LabCorp Variant Classification Summary - May 2015. Collection method: clinical testing. Allele origin: germline.
Comment: Variant summary: OTOGL c.3081dupT (p.Leu1028SerfsX31) results in a premature termination codon, predicted to cause a truncation of the encoded protein or absence of the protein due to nonsense mediated decay, which are commonly known mechanisms for disease. The variant allele was found at a frequency of 7.5e-05 in 79880 control chromosomes. To our knowledge, no occurrence of c.3081dupT in individuals affected with Autosomal Recessive Nonsyndromic Hearing Loss 84B and no experimental evidence demonstrating its impact on protein function have been reported. ClinVar contains an entry for this variant (Variation ID: 505260). Based on the evidence outlined above, the variant was classified as pathogenic.

Labcorp Genetics (formerly Invitae), Labcorp
Classification: Pathogenic. Last evaluated: 2023-10-11. Review status: criteria provided, single submitter. Criteria: Invitae Variant Classification Sherloc (09022015). Collection method: clinical testing. Allele origin: germline.
Comment: This sequence change creates a premature translational stop signal (p.Leu1019Serfs*31) in the OTOGL gene. It is expected to result in an absent or disrupted protein product. Loss-of-function variants in OTOGL are known to be pathogenic (PMID: 23122586). The frequency data for this variant in the population databases is considered unreliable, as metrics indicate poor data quality at this position in the gnomAD database. This variant has not been reported in the literature in individuals affected with OTOGL-related conditions. ClinVar contains an entry for this variant (Variation ID: 505260). For these reasons, this variant has been classified as Pathogenic.

Laboratory for Molecular Medicine, Mass General Brigham Personalized Medicine
Classification: Pathogenic for Rare genetic deafness. Last evaluated: 2016-09-08. Review status: criteria provided, single submitter. Criteria: LMM Criteria. Collection method: clinical testing. Allele origin: germline. Inheritance: Autosomal dominant inheritance. Observed: 1 variant allele.
Comment: The p.Leu1019fs variant in OTOGL has not been previously reported in individuals with hearing loss. Data from large population studies is insufficient to assess the frequency of this variant. This variant is predicted to cause a frameshift, which alters the protein?s amino acid sequence beginning at position 1019 and l eads to a premature termination codon 31 amino acids downstream. This alteration is then predicted to lead to a truncated or absent protein. Loss of function of the OTOGL gene is an established disease mechanism in autosomal recessive heari ng loss. In summary, this variant meets criteria to be classified as pathogenic for nonsyndromic hearing loss in an autosomal recessive manner based on the pred icted impact of the variant.

Clinical Genetics Laboratory, University Hospital Schleswig-Holstein
Classification: Pathogenic for Autosomal recessive nonsyndromic hearing loss 84B. Last evaluated: 2023-05-23. Review status: no assertion criteria provided. Collection method: clinical testing. Allele origin: maternal. Affected: yes. Not counted in ClinVar's aggregate classification.

Literature cited by the submitters: PubMed 23122586 (cited by Labcorp Genetics (formerly Invitae), Labcorp).

NM_001378609.3(OTOGL):c.3081dup (p.Leu1028fs)

Gene: OTOGL (otogelin like; plus strand). Cytogenetic location: 12q21.31.
Variant type: Duplication.
Coding change: c.3081dup on transcript NM_001378609.3 (MANE Select); coding-DNA position 3081, one base duplicated (T; older notation c.3081dupT).
Protein change: p.Leu1028fs; shifts the reading frame from leucine 1028.
Molecular consequence: frameshift variant.
Genome position (GRCh38, 1-based): chr12:80,302,651, T duplicated; the last of 7 consecutive T bases (chr12:80,302,645-80,302,651); duplicating any one gives the same sequence. VCF-style (leftmost placement, unchanged base first): chr12-80302644-G-GT. GRCh37 (hg19) VCF-style: chr12-80696424-G-GT.
Other names: NM_173591.3:c.3054dupT; p.Leu1019SerfsX31; c.2946dup, p.Leu983fs (NM_001368062.3); c.3081dup, p.Leu1028fs (NM_001378610.3, NM_173591.7); c.3081dupT (NM_173591.7); c.3054_3055insT (NM_173591.3); short protein forms L1028fs, L983fs.
Identifiers: ClinVar variation 505260 (VCV000505260.18), dbSNP rs764178233, ClinGen allele CA6700965.